The following is an entry in ClinVar:

ClinVar aggregate classification (germline): Pathogenic (1 of 4 stars; one submission).

Submission:

GeneDx
Classification: Pathogenic. Last evaluated: 2019-06-06. Review status: criteria provided, single submitter. Criteria: GeneDx Variant Classification Process June 2021. Collection method: clinical testing. Allele origin: germline. Affected: yes.
Comment: Not observed in large population cohorts (Lek et al., 2016); Frameshift variant predicted to result in protein truncation or nonsense mediated decay in a gene for which loss-of-function is a known mechanism of disease; This variant is associated with the following publications: (PMID: 29741282)

NM_170707.4(LMNA):c.835del (p.Glu279fs)

Gene: LMNA (lamin A/C; plus strand). Cytogenetic location: 1q22.
Variant type: Deletion.
Coding change: c.835del on transcript NM_170707.4 (MANE Select); coding-DNA position 835, one base deleted (G; older notation c.835delG).
Protein change: p.Glu279fs; shifts the reading frame from glutamic acid 279.
Molecular consequence: frameshift variant.
Genome position (GRCh38, 1-based): chr1:156,135,211, G deleted. VCF-style (leftmost placement, unchanged base first): chr1-156135210-TG-T. GRCh37 (hg19) VCF-style: chr1-156105001-TG-T.
Other names: c.835delG (NM_170707.2); c.499del, p.Glu167fs (NM_001257374.3); c.592del, p.Glu198fs (NM_001282624.2); c.835del, p.Glu279fs (NM_001282625.2, NM_001282626.2, NM_005572.4 and 1 more transcripts); short protein forms E167fs, E279fs, E198fs.
Identifiers: ClinVar variation 421186 (VCV000421186.3), dbSNP rs1064794966, ClinGen allele CA16617000.
Genomic context (GRCh38, chr1:156,135,210, plus strand): 5'-AGTCACCACAGTCCTAACCCTTTGTCCTCCCCTCCAGCTGGACAATGCCAGGCAGTCTGC[TG>T]AGAGGAACAGCAACCTGGTGGGGGCTGCCCACGAGGAGCTGCAGCAGTCGCGCATCCGCA-3'